The following is an entry in ClinVar:

ClinVar aggregate classification (germline): Pathogenic (1 of 4 stars; one submission).

Conditions:
Hereditary cancer-predisposing syndrome. Also called: Tumor predisposition; Hereditary Cancer Syndrome; Hereditary neoplastic syndrome; Neoplastic Syndromes, Hereditary. Identifiers: Orphanet 140162, MedGen C0027672, MeSH D009386, MONDO:0015356.

Submission:

Ambry Genetics
Classification: Pathogenic for Hereditary cancer-predisposing syndrome. Last evaluated: 2024-05-14. Review status: criteria provided, single submitter. Criteria: Ambry Variant Classification Scheme 2023. Collection method: clinical testing. Allele origin: germline.
Comment: The c.762dupC pathogenic mutation, located in coding exon 9 of the MUTYH gene, results from a duplication of C at nucleotide position 762, causing a translational frameshift with a predicted alternate stop codon (p.S255Qfs*74). This variant is considered to be rare based on population cohorts in the Genome Aggregation Database (gnomAD). This alteration is expected to result in loss of function by premature protein truncation or nonsense-mediated mRNA decay. As such, this alteration is interpreted as a disease-causing mutation.

NM_001048174.2(MUTYH):c.678dup (p.Ser227fs)

Gene: MUTYH (mutY DNA glycosylase; minus strand). Cytogenetic location: 1p34.1.
Variant type: Duplication.
Coding change: c.678dup on transcript NM_001048174.2 (MANE Select); coding-DNA position 678, one base duplicated (C; older notation c.678dupC).
Protein change: p.Ser227fs; shifts the reading frame from serine 227.
Molecular consequence: frameshift variant. On other transcripts: non-coding transcript variant (7).
Genome position (GRCh38, 1-based): chr1:45,332,417, G duplicated on the plus strand (C on the coding strand, the reverse complement: MUTYH is on the minus strand). VCF-style (leftmost placement, unchanged base first): chr1-45332416-T-TG. GRCh37 (hg19) VCF-style: chr1-45798088-T-TG.
Other names: c.762dupC (NM_001128425.1); c.678dup, p.Ser227fs (NM_001048171.2, NM_001048173.2, NM_001293195.2 and 6 more transcripts); c.681dup, p.Ser228fs (NM_001048172.2, NM_001407071.1, NM_001407078.1 and 1 more transcripts); c.762dup, p.Ser255fs (NM_001128425.2); c.723dup, p.Ser242fs (NM_001293190.2); c.711dup, p.Ser238fs (NM_001293191.2, NM_001407069.1, NM_001407077.1); c.402dup, p.Ser135fs (NM_001293192.2, NM_001293196.2, NM_001407091.1); c.333dup, p.Ser112fs (NM_001350650.2, NM_001350651.2, NM_001407082.1); and 6 more; short protein forms S112fs, S213fs, S227fs, S135fs, S234fs, S238fs, S241fs, S199fs.
Identifiers: ClinVar variation 3297059 (VCV003297059.1).